The following is an entry in ClinVar:

ClinVar aggregate classification (germline): Uncertain significance (1 of 4 stars; one submission).

Conditions:
Inborn genetic diseases. Identifiers: MedGen C0950123, MeSH D030342.

Submission:

Ambry Genetics
Classification: Uncertain significance for Inborn genetic diseases. Last evaluated: 2025-06-10. Review status: criteria provided, single submitter. Criteria: Ambry Variant Classification Scheme 2023. Collection method: clinical testing. Allele origin: germline.
Comment: The p.S531C variant (also known as c.1592C>G), located in coding exon 9 of the RECQL4 gene, results from a C to G substitution at nucleotide position 1592. The serine at codon 531 is replaced by cysteine, an amino acid with dissimilar properties. This amino acid position is conserved. In addition, this alteration is predicted to be deleterious by in silico analysis. Based on the available evidence, the clinical significance of this variant remains unclear.

NM_004260.4(RECQL4):c.1592C>G (p.Ser531Cys)

Gene: RECQL4 (RecQ like helicase 4; minus strand). Cytogenetic location: 8q24.3.
Variant type: single nucleotide variant.
Coding change: c.1592C>G on transcript NM_004260.4 (MANE Select); coding-DNA position 1592, C replaced by G.
Protein change: p.Ser531Cys; replaces serine 531 with cysteine.
Molecular consequence: missense variant. On other transcripts: non-coding transcript variant (3).
Genome position (GRCh38, 1-based): chr8:144,514,964, G>C on the plus strand (C>G on the coding strand, the complement: RECQL4 is on the minus strand). VCF-style: chr8-144514964-G-C. GRCh37 (hg19) VCF-style: chr8-145740348-G-C.
Other names: c.1496C>G, p.Ser499Cys (NM_001413017.1, NM_001413020.1); c.1592C>G, p.Ser531Cys (NM_001413018.1, NM_001413019.1, NM_001413033.1 and 1 more transcripts); c.521C>G, p.Ser174Cys (NM_001413021.1, NM_001413022.1, NM_001413023.1 and 7 more transcripts); c.1463C>G, p.Ser488Cys (NM_001413025.1); c.455C>G, p.Ser152Cys (NM_001413027.1, NM_001413030.1, NM_001413031.1 and 2 more transcripts); c.1241C>G, p.Ser414Cys (NM_001413029.1); c.1562C>G, p.Ser521Cys (NM_001413039.1); c.491C>G, p.Ser164Cys (NM_001413042.1); and 1 more; short protein forms S174C, S414C, S531C, S164C, S488C, S521C, S152C, S42C.
Identifiers: ClinVar variation 3944359 (VCV003944359.1).